The following is an entry in ClinVar:

ClinVar aggregate classification (germline): Uncertain significance (1 of 4 stars; one submission).

gnomAD v4.1: 31 of 1,613,992 alleles (0.0019%); highest among the groups gnomAD compares: Non-Finnish European, 0.0026%; no homozygotes.

Submission:

Labcorp Genetics (formerly Invitae), Labcorp
Classification: Uncertain significance. Last evaluated: 2024-09-10. Review status: criteria provided, single submitter. Criteria: Invitae Variant Classification Sherloc (09022015). Collection method: clinical testing. Allele origin: germline.
Comment: This sequence change replaces asparagine, which is neutral and polar, with serine, which is neutral and polar, at codon 186 of the MATN3 protein (p.Asn186Ser). This variant is present in population databases (no rsID available, gnomAD 0.0009%). This variant has not been reported in the literature in individuals affected with MATN3-related conditions. Invitae Evidence Modeling of protein sequence and biophysical properties (such as structural, functional, and spatial information, amino acid conservation, physicochemical variation, residue mobility, and thermodynamic stability) indicates that this missense variant is not expected to disrupt MATN3 protein function with a negative predictive value of 80%. In summary, the available evidence is currently insufficient to determine the role of this variant in disease. Therefore, it has been classified as a Variant of Uncertain Significance.

NM_002381.5(MATN3):c.557A>G (p.Asn186Ser)

Gene: MATN3 (matrilin 3; minus strand). Cytogenetic location: 2p24.1.
Variant type: single nucleotide variant.
Coding change: c.557A>G on transcript NM_002381.5 (MANE Select); coding-DNA position 557, A replaced by G.
Protein change: p.Asn186Ser; replaces asparagine 186 with serine.
Molecular consequence: missense variant.
Genome position (GRCh38, 1-based): chr2:20,005,977, T>C on the plus strand (A>G on the coding strand, the complement: MATN3 is on the minus strand). VCF-style: chr2-20005977-T-C. GRCh37 (hg19) VCF-style: chr2-20205738-T-C.
Other names: short protein forms N186S.
Identifiers: ClinVar variation 3697258 (VCV003697258.2).